The following is an entry in ClinVar:

NM_006329.4(FBLN5):c.472G>A (p.Gly158Arg)

Gene: FBLN5 (fibulin 5; minus strand). Cytogenetic location: 14q32.12.
Variant type: single nucleotide variant.
Coding change: c.472G>A on transcript NM_006329.4 (MANE Select); coding-DNA position 472, G replaced by A.
Protein change: p.Gly158Arg; replaces glycine 158 with arginine.
Molecular consequence: missense variant.
Genome position (GRCh38, 1-based): chr14:91,894,980, C>T on the plus strand (G>A on the coding strand, the complement: FBLN5 is on the minus strand). VCF-style: chr14-91894980-C-T. GRCh37 (hg19) VCF-style: chr14-92361324-C-T.
Other names: c.595G>A, p.Gly199Arg (NM_001384158.1); c.523G>A, p.Gly175Arg (NM_001384159.1); c.472G>A, p.Gly158Arg (NM_001384160.1); c.304G>A, p.Gly102Arg (NM_001384161.1, NM_001384162.1); short protein forms G102R, G158R, G175R, G199R.
Identifiers: ClinVar variation 4807118 (VCV004807118.1).

ClinVar aggregate classification (germline): Uncertain significance (1 of 4 stars; one submission).

gnomAD v4.1: 3 of 1,614,112 alleles (0.00019%); highest among the groups gnomAD compares: South Asian, 0.0011%; no homozygotes.

Submission:

Labcorp Genetics (formerly Invitae), Labcorp
Classification: Uncertain significance. Last evaluated: 2025-03-16. Review status: criteria provided, single submitter. Criteria: Invitae Variant Classification Sherloc (09022015). Collection method: clinical testing. Allele origin: germline.
Comment: This sequence change replaces glycine, which is neutral and non-polar, with arginine, which is basic and polar, at codon 158 of the FBLN5 protein (p.Gly158Arg). This variant is not present in population databases (gnomAD no frequency). This variant has not been reported in the literature in individuals affected with FBLN5-related conditions. Invitae Evidence Modeling of protein sequence and biophysical properties (such as structural, functional, and spatial information, amino acid conservation, physicochemical variation, residue mobility, and thermodynamic stability) indicates that this missense variant is expected to disrupt FBLN5 protein function with a positive predictive value of 80%. In summary, the available evidence is currently insufficient to determine the role of this variant in disease. Therefore, it has been classified as a Variant of Uncertain Significance.